The following is an entry in ClinVar:

ClinVar aggregate classification (germline): Pathogenic (1 of 4 stars; one submission).

Conditions:
Neurofibromatosis, type 1 (NF1). Also called: Peripheral type neurofibromatosis; VON RECKLINGHAUSEN DISEASE; NEUROFIBROMATOSIS, TYPE I, SOMATIC; Neurofibromatosis, type I. Identifiers: Orphanet 636, MedGen C0027831, MONDO:0018975, OMIM 162200. Disease mechanism: loss of function.

Submission:

Labcorp Genetics (formerly Invitae), Labcorp
Classification: Pathogenic for Neurofibromatosis, type 1. Last evaluated: 2022-06-06. Review status: criteria provided, single submitter. Criteria: Invitae Variant Classification Sherloc (09022015). Collection method: clinical testing. Allele origin: germline.
Comment: For these reasons, this variant has been classified as Pathogenic. This variant has not been reported in the literature in individuals affected with NF1-related conditions. This variant is a gross deletion of the genomic region encompassing exon(s) 36-50 of the NF1 gene. This deletion is out-of-frame, and is expected to create a premature termination codon and result in an absent or disrupted protein product. Loss-of-function variants in NF1 are known to be pathogenic (PMID: 10712197, 23913538).

Literature cited by the submitters: PubMed 10712197; PubMed 23913538.

NC_000017.10:g.(?_29645324)_(29679452_?)del

Genes: EVI2A (ecotropic viral integration site 2A; minus strand), NF1 (neurofibromin 1; plus strand). Cytogenetic location: 17q11.2.
Variant type: Deletion.
Identifiers: ClinVar variation 2422726 (VCV002422726.4).